The following is an entry in ClinVar:

NM_000038.6(APC):c.343A>G (p.Met115Val)

Gene: APC (APC regulator of Wnt signaling pathway; plus strand). Cytogenetic location: 5q22.2.
Variant type: single nucleotide variant.
Coding change: c.343A>G on transcript NM_000038.6 (MANE Select); coding-DNA position 343, A replaced by G.
Protein change: p.Met115Val; replaces methionine 115 with valine.
Molecular consequence: missense variant. On other transcripts: 5 prime UTR variant (1).
Genome position (GRCh38, 1-based): chr5:112,767,311, A>G. VCF-style: chr5-112767311-A-G. GRCh37 (hg19) VCF-style: chr5-112103008-A-G.
Other names: c.343A>G, p.Met115Val (NM_001127510.3, NM_001354895.2, NM_001354896.2 and 2 more transcripts); c.373A>G, p.Met125Val (NM_001127511.3, NM_001354897.2, NM_001354902.2); c.268A>G, p.Met90Val (NM_001354898.2, NM_001354904.2); c.166A>G, p.Met56Val (NM_001354900.2, NM_001354901.2, NM_001354905.2); c.-693A>G (NM_001354906.2); short protein forms M115V, M125V, M56V, M90V.
Identifiers: ClinVar variation 411375 (VCV000411375.29), dbSNP rs1060503276, ClinGen allele CA16022069.

ClinVar aggregate classification (germline): Conflicting classifications of pathogenicity. Review status: criteria provided, conflicting classifications (1 of 4 stars). 7 submissions from 7 submitters: Uncertain significance (6); Benign (1). Last evaluated 2026-04-30.

Conditions:
Hereditary cancer-predisposing syndrome. Also called: Hereditary Cancer Syndrome; Tumor predisposition; Hereditary neoplastic syndrome; Neoplastic Syndromes, Hereditary. Identifiers: Orphanet 140162, MedGen C0027672, MeSH D009386, MONDO:0015356.
Classic or attenuated familial adenomatous polyposis. Identifiers: MedGen CN372698, MONDO:0021057.
Familial adenomatous polyposis 1 (FAP1). Also called: FAMILIAL ADENOMATOUS POLYPOSIS 1, ATTENUATED; POLYPOSIS, ADENOMATOUS INTESTINAL. Identifiers: MedGen C2713442, MONDO:0021056, OMIM 175100. Disease mechanism: loss of function.

Allele frequency attached by ClinVar (database versions not stated): gnomAD exomes 0.00002 and below 0.00001; TOPMed 0.00001; gnomAD 0.00001.

Submissions (7):

Ambry Genetics
Classification: Benign for Hereditary cancer-predisposing syndrome. Last evaluated: 2026-04-30. Review status: criteria provided, single submitter. Criteria: Ambry Variant Classification Scheme 2023. Collection method: clinical testing. Allele origin: germline.

Labcorp Genetics (formerly Invitae), Labcorp
Classification: Uncertain significance for Familial adenomatous polyposis 1. Last evaluated: 2025-12-24. Review status: criteria provided, single submitter. Criteria: Invitae Variant Classification Sherloc (09022015). Collection method: clinical testing. Allele origin: germline.
Comment: This sequence change replaces methionine, which is neutral and non-polar, with valine, which is neutral and non-polar, at codon 115 of the APC protein (p.Met115Val). This variant is present in population databases (no rsID available, gnomAD 0.004%). This missense change has been observed in individual(s) with unspecified advanced cancer and with early onset colorectal cancer (PMID: 28873162, 28944238). ClinVar contains an entry for this variant (Variation ID: 411375). Invitae Evidence Modeling of protein sequence and biophysical properties (such as structural, functional, and spatial information, amino acid conservation, physicochemical variation, residue mobility, and thermodynamic stability) indicates that this missense variant is not expected to disrupt APC protein function with a negative predictive value of 95%. In summary, the available evidence is currently insufficient to determine the role of this variant in disease. Therefore, it has been classified as a Variant of Uncertain Significance.

Women's Health and Genetics/Laboratory Corporation of America, LabCorp
Classification: Uncertain significance. Last evaluated: 2024-01-22. Review status: criteria provided, single submitter. Criteria: LabCorp Variant Classification Summary - May 2015. Collection method: clinical testing. Allele origin: germline.
Comment: Variant summary: APC c.343A>G (p.Met115Val) results in a conservative amino acid change in the encoded protein sequence. Five of five in-silico tools predict a benign effect of the variant on protein function. The variant allele was found at a frequency of 4e-06 in 251474 control chromosomes (gnomAD). The available data on variant occurrences in the general population are insufficient to allow any conclusion about variant significance. c.343A>G has been reported in the literature in individuals suspected/or diagnosed with colorectal cancer however authors classified the variant as VUS (examples: Mandelker_2017, DeRycke_2017). These report(s) do not provide unequivocal conclusions about association of the variant with Familial Adenomatous Polyposis. To our knowledge, no experimental evidence demonstrating an impact on protein function has been reported. The following publications have been ascertained in the context of this evaluation (PMID: 28873162, 28944238). ClinVar contains an entry for this variant (Variation ID: 411375). Based on the evidence outlined above, the variant was classified as uncertain significance.

All of Us Research Program, National Institutes of Health
Classification: Uncertain significance for Classic or attenuated familial adenomatous polyposis. Last evaluated: 2023-10-02. Review status: criteria provided, single submitter. Criteria: ACMG Guidelines, 2015. Collection method: clinical testing. Allele origin: germline. Inheritance: Autosomal dominant inheritance. Observed: 2 variant alleles, 2 heterozygotes.
Comment: This missense variant replaces methionine with valine at codon 115 of the APC protein. Computational prediction suggests that this variant may not impact protein structure and function (internally defined REVEL score threshold <= 0.5, PMID: 27666373). To our knowledge, functional studies have not been reported for this variant. This variant has been reported in individuals affected with colorectal cancer (PMID: 28944238) or advanced cancer (PMID: 28873162). This variant has been identified in 3/282886 chromosomes in the general population by the Genome Aggregation Database (gnomAD). The available evidence is insufficient to determine the role of this variant in disease conclusively. Therefore, this variant is classified as a Variant of Uncertain Significance.

This study involves interpretation of variants in research participants for the purpose of population health screening. Participant phenotype was not available at the time of variant classification. Additional details can be found in publication PMID: 35346344, PMCID: PMC8962531

Baylor Genetics
Classification: Uncertain significance for Familial adenomatous polyposis 1. Last evaluated: 2023-08-05. Review status: criteria provided, single submitter. Criteria: ACMG Guidelines, 2015. Collection method: clinical testing. Allele origin: unknown.

Color Diagnostics, LLC DBA Color Health
Classification: Uncertain significance for Hereditary cancer-predisposing syndrome. Last evaluated: 2023-06-08. Review status: criteria provided, single submitter. Criteria: ACMG Guidelines, 2015. Collection method: clinical testing. Allele origin: germline.
Comment: This missense variant replaces methionine with valine at codon 115 of the APC protein. Computational prediction suggests that this variant may not impact protein structure and function (internally defined REVEL score threshold <= 0.5, PMID: 27666373). To our knowledge, functional studies have not been reported for this variant. This variant has been reported in an individual affected with colorectal cancer (PMID: 28944238). This variant has been identified in 3/282886 chromosomes in the general population by the Genome Aggregation Database (gnomAD). The available evidence is insufficient to determine the role of this variant in disease conclusively. Therefore, this variant is classified as a Variant of Uncertain Significance.

Quest Diagnostics Nichols Institute San Juan Capistrano
Classification: Uncertain significance. Last evaluated: 2018-11-23. Review status: criteria provided, single submitter. Criteria: Quest Diagnostics criteria. Collection method: clinical testing. Allele origin: germline.

Literature cited by the submitters: PubMed 28873162 (cited by 5 submitters); PubMed 28944238 (cited by 5 submitters).